The following is an entry in ClinVar:

NM_001089.3(ABCA3):c.2762G>A (p.Arg921His)

Gene: ABCA3 (ATP binding cassette subfamily A member 3; minus strand). Cytogenetic location: 16p13.3.
Variant type: single nucleotide variant.
Coding change: c.2762G>A on transcript NM_001089.3 (MANE Select); coding-DNA position 2762, G replaced by A.
Protein change: p.Arg921His; replaces arginine 921 with histidine.
Molecular consequence: missense variant.
Genome position (GRCh38, 1-based): chr16:2,288,268, C>T on the plus strand (G>A on the coding strand, the complement: ABCA3 is on the minus strand). VCF-style: chr16-2288268-C-T. GRCh37 (hg19) VCF-style: chr16-2338269-C-T.
Other names: short protein forms R921H.
Identifiers: ClinVar variation 2468265 (VCV002468265.4), dbSNP rs757826923, ClinGen allele CA7840705.
Genomic context (GRCh38, chr16:2,288,268, plus strand): 5'-AGGGCCAGGGTGACGCAGGTCAGAGGCACCAGGACCTGTGCCGCCACCATTTTCCACTCG[C>T]GCCAGCTGTATGCGGCCTTCTTCAGGAACATGGCCCAGAATTGCTGGCAGTGCAGGGCGA-3'
Protein context (NP_001080.2, residues 911-931): MFLKKAAYSW[Arg921His]EWKMVAAQVL

ClinVar aggregate classification (germline): Conflicting classifications of pathogenicity. Review status: criteria provided, conflicting classifications (1 of 4 stars). 2 submissions from 2 submitters: Likely pathogenic (1); Uncertain significance (1). Last evaluated 2026-07-30.

Conditions:
Hereditary pulmonary alveolar proteinosis. Also called: Pulmonary surfactant metabolism dysfunction. Identifiers: Orphanet 264675, MedGen C3711368, MONDO:0012580.

Allele frequency attached by ClinVar (database versions not stated): ExAC 0.00005; gnomAD 0.00002; TOPMed 0.00002; gnomAD exomes 0.00001.
gnomAD v4.1: 14 of 1,587,694 alleles (0.00088%); highest among the groups gnomAD compares: East Asian, 0.0068%; no homozygotes.

Submissions (2):

Ambry Genetics
Classification: Likely pathogenic for Hereditary pulmonary alveolar proteinosis. Last evaluated: 2026-07-30. Review status: criteria provided, single submitter. Criteria: Ambry Variant Classification Scheme 2023. Collection method: clinical testing. Allele origin: germline.
Comment: The c.2762G>A (p.R921H) alteration is located in exon 21 (coding exon 18) of the ABCA3 gene. This alteration results from a G to A substitution at nucleotide position 2762, causing the arginine (R) at amino acid position 921 to be replaced by a histidine (H). Based on data from gnomAD, the A allele has an overall frequency of 0.002% (4/206748) total alleles studied. The highest observed frequency was 0.019% (3/15890) of East Asian alleles. This amino acid position is highly conserved in available vertebrate species. This alteration is predicted to be deleterious by in silico analysis. Based on the available evidence, this alteration is classified as likely pathogenic.

Labcorp Genetics (formerly Invitae), Labcorp
Classification: Uncertain significance. Last evaluated: 2025-11-06. Review status: criteria provided, single submitter. Criteria: Invitae Variant Classification Sherloc (09022015). Collection method: clinical testing. Allele origin: germline.
Comment: This sequence change replaces arginine, which is basic and polar, with histidine, which is basic and polar, at codon 921 of the ABCA3 protein (p.Arg921His). This variant is present in population databases (rs757826923, gnomAD 0.02%). This variant has not been reported in the literature in individuals affected with ABCA3-related conditions. ClinVar contains an entry for this variant (Variation ID: 2468265). Invitae Evidence Modeling of protein sequence and biophysical properties (such as structural, functional, and spatial information, amino acid conservation, physicochemical variation, residue mobility, and thermodynamic stability) has been performed for this missense variant. However, the output from this modeling did not meet the statistical confidence thresholds required to predict the impact of this variant on ABCA3 protein function. In summary, the available evidence is currently insufficient to determine the role of this variant in disease. Therefore, it has been classified as a Variant of Uncertain Significance.